The following is an entry in ClinVar:

ClinVar aggregate classification (germline): Conflicting classifications of pathogenicity. Review status: criteria provided, conflicting classifications (1 of 4 stars). 2 submissions from 2 submitters: Uncertain significance (1); Likely benign (1). Last evaluated 2024-12-04.

Conditions:
Inborn genetic diseases. Identifiers: MedGen C0950123, MeSH D030342.

Allele frequency attached by ClinVar (database versions not stated): gnomAD exomes 0.00004; ExAC 0.00010; 1000 Genomes Project 30x 0.00016; 1000 Genomes Project 0.00020; ESP Exome Variant Server 0.00031; TOPMed 0.00033; gnomAD 0.00038.
gnomAD v4.1: 120 of 1,614,068 alleles (0.0074%); highest among the groups gnomAD compares: African/African-American, 0.14%; no homozygotes.

Submissions (2):

Ambry Genetics
Classification: Uncertain significance for Inborn genetic diseases. Last evaluated: 2024-12-04. Review status: criteria provided, single submitter. Criteria: Ambry Variant Classification Scheme 2023. Collection method: clinical testing. Allele origin: germline.
Comment: The p.L1201M variant (also known as c.3601C>A), located in coding exon 17 of the MECOM gene, results from a C to A substitution at nucleotide position 3601. The leucine at codon 1201 is replaced by methionine, an amino acid with highly similar properties. This amino acid position is conserved. In addition, this alteration is predicted to be tolerated by in silico analysis. Based on the available evidence, the clinical significance of this variant remains unclear.

Blueprint Genetics
Classification: Likely benign. Last evaluated: 2024-04-22. Review status: criteria provided, single submitter. Criteria: ACMG Guidelines, 2015. Collection method: clinical testing. Allele origin: germline.

NM_004991.4(MECOM):c.3601C>A (p.Leu1201Met)

Gene: MECOM (MDS1 and EVI1 complex locus; minus strand). Cytogenetic location: 3q26.2.
Variant type: single nucleotide variant.
Coding change: c.3601C>A on transcript NM_004991.4 (MANE Select); coding-DNA position 3601, C replaced by A.
Protein change: p.Leu1201Met; replaces leucine 1201 with methionine.
Molecular consequence: missense variant.
Genome position (GRCh38, 1-based): chr3:169,085,028, G>T on the plus strand (C>A on the coding strand, the complement: MECOM is on the minus strand). VCF-style: chr3-169085028-G-T. GRCh37 (hg19) VCF-style: chr3-168802816-G-T.
Other names: c.3232C>A, p.Leu1078Met (NM_001105077.4); c.3037C>A, p.Leu1013Met (NM_001105078.4, NM_001205194.2, NM_001366469.2 and 1 more transcripts); c.3013C>A, p.Leu1005Met (NM_001163999.2, NM_001366470.2); c.3010C>A, p.Leu1004Met (NM_001164000.2, NM_001366471.2, NM_001366472.2); c.3574C>A, p.Leu1192Met (NM_001366466.2); c.3040C>A, p.Leu1014Met (NM_001366467.2, NM_001366468.2); c.2602C>A, p.Leu868Met (NM_001366473.2); c.2038C>A, p.Leu680Met (NM_001366474.2); short protein forms L1004M, L1005M, L1201M, L680M, L868M, L1013M, L1014M, L1078M.
Identifiers: ClinVar variation 3124836 (VCV003124836.3), dbSNP rs144104039, ClinGen allele CA2695844.